The following is an entry in ClinVar:

NM_006384.4(CIB1):c.244G>A (p.Ala82Thr)

Gene: CIB1 (calcium and integrin binding 1; minus strand). Cytogenetic location: 15q26.1.
Variant type: single nucleotide variant.
Coding change: c.244G>A on transcript NM_006384.4 (MANE Select); coding-DNA position 244, G replaced by A.
Protein change: p.Ala82Thr; replaces alanine 82 with threonine.
Molecular consequence: missense variant. On other transcripts: non-coding transcript variant (2).
Genome position (GRCh38, 1-based): chr15:90,231,459, C>T on the plus strand (G>A on the coding strand, the complement: CIB1 is on the minus strand). VCF-style: chr15-90231459-C-T. GRCh37 (hg19) VCF-style: chr15-90774691-C-T.
Other names: c.364G>A, p.Ala122Thr (NM_001277764.2); c.364G>A (NM_001277764.1); short protein forms A122T, A82T.
Identifiers: ClinVar variation 1166891 (VCV001166891.11), dbSNP rs562237879, ClinGen allele CA7734255.

ClinVar aggregate classification (germline): Benign. Review status: criteria provided, single submitter (1 of 4 stars). 2 submissions from 2 submitters: Benign (1). 1 of the submissions does not count toward it. Last evaluated 2025-12-15.

Conditions:
CIB1-related disorder. Also called: CIB1-related condition.

Allele frequency attached by ClinVar (database versions not stated): gnomAD exomes 0.00300; ExAC 0.00346; 1000 Genomes Project 0.00519; 1000 Genomes Project 30x 0.00578; gnomAD 0.00003 and 0.00083; TOPMed 0.00015.
gnomAD v4.1: 2,336 of 1,614,224 alleles (0.14%); highest among the groups gnomAD compares: South Asian, 2.4%; 53 homozygotes.

Submissions (2):

Labcorp Genetics (formerly Invitae), Labcorp
Classification: Benign. Last evaluated: 2025-12-15. Review status: criteria provided, single submitter. Criteria: Invitae Variant Classification Sherloc (09022015). Collection method: clinical testing. Allele origin: germline.

PreventionGenetics, part of Exact Sciences
Classification: Benign for CIB1-related condition. Last evaluated: 2019-06-28. Review status: no assertion criteria provided. Collection method: clinical testing. Allele origin: germline. Not counted in ClinVar's aggregate classification.
Comment: This variant is classified as benign based on ACMG/AMP sequence variant interpretation guidelines (Richards et al. 2015 PMID: 25741868, with internal and published modifications).